The following is an entry in ClinVar:

NM_001127898.4(CLCN5):c.331A>C (p.Lys111Gln)

Gene: CLCN5 (Cl-/H+ antiporter 5; plus strand). Cytogenetic location: Xp11.23.
Variant type: single nucleotide variant.
Coding change: c.331A>C on transcript NM_001127898.4 (MANE Select); coding-DNA position 331, A replaced by C.
Protein change: p.Lys111Gln; replaces lysine 111 with glutamine.
Molecular consequence: missense variant.
Genome position (GRCh38, 1-based): chrX:50,072,504, A>C. VCF-style: chrX-50072504-A-C. GRCh37 (hg19) VCF-style: chrX-49837159-A-C.
Other names: c.121A>C (NM_000084.4); c.121A>C, p.Lys41Gln (NM_000084.5); c.331A>C, p.Lys111Gln (NM_001127899.4); c.181A>C, p.Lys61Gln (NM_001282163.2); short protein forms K41Q, K61Q, K111Q.
Identifiers: ClinVar variation 3145419 (VCV003145419.3), dbSNP rs376833330, ClinGen allele CA10413716.

ClinVar aggregate classification (germline): Uncertain significance. Review status: criteria provided, multiple submitters, no conflicts (2 of 4 stars). 3 submissions from 3 submitters: Uncertain significance (3). Last evaluated 2025-04-13.

Conditions:
CLCN5-related disorder. Also called: CLCN5-related condition.
Dent disease type 1 (DENT1). Also called: NEPHROLITHIASIS 2; NEPHROLITHIASIS, HYPERCALCIURIC, X-LINKED. Identifiers: Orphanet 1652, Orphanet 93622, MedGen C1848336, MONDO:0010225, OMIM 300009.
X-linked recessive nephrolithiasis with renal failure (XRN). Also called: NEPHROLITHIASIS 1; NEPHROLITHIASIS, X-LINKED RECESSIVE, TYPE 1; UROLITHIASIS, X-LINKED RECESSIVE, TYPE 1. Identifiers: Orphanet 1652, Orphanet 93622, MedGen C0403720, MONDO:0010687, OMIM 310468.
Hypophosphatemic rickets, X-linked recessive (XLHRR). Identifiers: Orphanet 1652, Orphanet 93622, MedGen C1845168, MONDO:0010358, OMIM 300554.
Proteinuria, low molecular weight, with hypercalciuria and nephrocalcinosis. Identifiers: Orphanet 1652, Orphanet 93622, MedGen C1839874, MONDO:0010644, OMIM 308990.
Inborn genetic diseases. Identifiers: MedGen C0950123, MeSH D030342.

Allele frequency attached by ClinVar (database versions not stated): ExAC 0.00001; gnomAD exomes 0.00001; TOPMed 0.00002; gnomAD 0.00004; ESP Exome Variant Server 0.00009.
gnomAD v4.1: 14 of 1,203,084 alleles (0.0012%); highest among the groups gnomAD compares: African/African-American, 0.0018%; no homozygotes.

Submissions (3):

PreventionGenetics, part of Exact Sciences
Classification: Uncertain significance for CLCN5-related condition. Last evaluated: 2025-04-13. Review status: criteria provided, single submitter. Criteria: ACMG Guidelines, 2015. Collection method: clinical testing. Allele origin: germline.
Comment: The CLCN5 c.121A>C variant is predicted to result in the amino acid substitution p.Lys41Gln. To our knowledge, this variant has not been reported in the literature. This variant is reported in 0.0043% of alleles in individuals of European (Non-Finnish) descent in gnomAD. This variant could be benign. At this time, the clinical significance of this variant is uncertain due to the absence of conclusive functional and genetic evidence.

Fulgent Genetics
Classification: Uncertain significance for Dent disease type 1; Hypophosphatemic rickets, X-linked recessive; Proteinuria, low molecular weight, with hypercalciuria and nephrocalcinosis; X-linked recessive nephrolithiasis with renal failure. Last evaluated: 2024-05-31. Review status: criteria provided, single submitter. Criteria: ACMG Guidelines, 2015. Collection method: clinical testing. Allele origin: germline.

Ambry Genetics
Classification: Uncertain significance for Inborn genetic diseases. Last evaluated: 2024-01-24. Review status: criteria provided, single submitter. Criteria: Ambry Variant Classification Scheme 2023. Collection method: clinical testing. Allele origin: germline.